The following is an entry in ClinVar:

ClinVar aggregate classification (germline): Uncertain significance (1 of 4 stars; one submission).

Conditions:
EPHA2-related disorder. Also called: EPHA2-related condition.

Submission:

PreventionGenetics, part of Exact Sciences
Classification: Uncertain significance for EPHA2-related condition. Last evaluated: 2024-11-09. Review status: criteria provided, single submitter. Criteria: ACMG Guidelines, 2015. Collection method: clinical testing. Allele origin: germline.
Comment: The EPHA2 c.815C>T variant is predicted to result in the amino acid substitution p.Ala272Val. To our knowledge, this variant has not been reported in the literature. This variant is absent in the large population database gnomAD. At this time, the clinical significance of this variant is uncertain due to the absence of conclusive functional and genetic evidence.

NM_004431.5(EPHA2):c.815C>T (p.Ala272Val)

Gene: EPHA2 (EPH receptor A2; minus strand). Cytogenetic location: 1p36.13.
Variant type: single nucleotide variant.
Coding change: c.815C>T on transcript NM_004431.5 (MANE Select); coding-DNA position 815, C replaced by T.
Protein change: p.Ala272Val; replaces alanine 272 with valine.
Molecular consequence: missense variant.
Genome position (GRCh38, 1-based): chr1:16,148,386, G>A on the plus strand (C>T on the coding strand, the complement: EPHA2 is on the minus strand). VCF-style: chr1-16148386-G-A. GRCh37 (hg19) VCF-style: chr1-16474881-G-A.
Other names: c.653C>T, p.Ala218Val (NM_001329090.2); short protein forms A218V, A272V.
Identifiers: ClinVar variation 5000556 (VCV005000556.1).
Genomic context (GRCh38, chr1:16,148,386, plus strand): 5'-AGAACCTGGGAATGCAGAACCCCCTTCCCTGCAACCCAGAACCGTCACTCACCCTGGCAG[G>A]CATCCTCCACCTTCTCGTAGCCTGCCTGGCACAGGCACTGCCCAATGGGCACCAGCCACT-3'
Protein context (NP_004422.2, residues 262-282): CQAGYEKVED[Ala272Val]CQACSPGFFK